The following is an entry in ClinVar:

ClinVar aggregate classification (germline): Likely pathogenic (1 of 4 stars; one submission).

Conditions:
Ehlers-Danlos syndrome, type 4 (EDSVASC). Also called: Ehlers-Danlos syndrome vascular type; Ehlers Danlos syndrome, ecchymotic type; Ehlers Danlos syndrome, arterial type; Ehlers Danlos syndrome, Sack-Barabas type; Ehlers-Danlos Syndrome Type IV. Identifiers: Orphanet 286, MedGen C0268338, MONDO:0017314, OMIM 130050.

Submission:

Variantyx, Inc.
Classification: Likely pathogenic for Ehlers-Danlos syndrome, type 4. Last evaluated: 2025-12-30. Review status: criteria provided, single submitter. Criteria: Variantyx Assertion Criteria 2022. Collection method: clinical testing. Allele origin: germline. Inheritance: Autosomal dominant inheritance. Affected: yes.
Comment: This is a nonsense variant in the COL3A1 gene (OMIM: 120180). Pathogenic variants in this gene have been associated with autosomal dominant vascular-type Ehlers-Danlos syndrome. This variant introduces a premature termination codon in exon 25 out of 51 and is expected to result in loss of function, which is a known disease mechanism for COL3A1 in this disorder (PMID: 24922459) (PVS1). This variant is absent from control populations (PM2), and it has not been reported in individuals with COL3A1-related disorders in the databases available for review. Based on the current evidence, this variant is classified as likely pathogenic for autosomal dominant vascular-type Ehlers-Danlos syndrome.Of note, variants leading to haploinsufficiency have been reported to result in a milder phenotype (PMID: 21637106; 25758994, 11577371).

Literature cited by the submitters: PubMed 24922459; PubMed 21637106; PubMed 25758994; PubMed 11577371.

NM_000090.4(COL3A1):c.1813C>T (p.Gln605Ter)

Gene: COL3A1 (collagen type III alpha 1 chain; plus strand). Cytogenetic location: 2q32.2.
Variant type: single nucleotide variant.
Coding change: c.1813C>T on transcript NM_000090.4 (MANE Select); coding-DNA position 1813, C replaced by T.
Protein change: p.Gln605Ter; replaces glutamine 605 with a stop codon.
Molecular consequence: nonsense.
Genome position (GRCh38, 1-based): chr2:188,997,216, C>T. VCF-style: chr2-188997216-C-T. GRCh37 (hg19) VCF-style: chr2-189861942-C-T.
Other names: short protein forms Q605*.
Identifiers: ClinVar variation 4852190 (VCV004852190.1).